The following is an entry in ClinVar:

ClinVar aggregate classification (germline): Uncertain significance (1 of 4 stars; one submission).

Conditions:
Inborn genetic diseases. Identifiers: MedGen C0950123, MeSH D030342.

Submission:

Ambry Genetics
Classification: Uncertain significance for Inborn genetic diseases. Last evaluated: 2022-07-30. Review status: criteria provided, single submitter. Criteria: Ambry Variant Classification Scheme 2023. Collection method: clinical testing. Allele origin: germline.
Comment: The p.V261L variant (also known as c.781G>T), located in coding exon 8 of the RAD51 gene, results from a G to T substitution at nucleotide position 781. The valine at codon 261 is replaced by leucine, an amino acid with highly similar properties. This amino acid position is conserved. In addition, the in silico prediction for this alteration is inconclusive. Since supporting evidence is limited at this time, the clinical significance of this alteration remains unclear.

NM_002875.5(RAD51):c.781G>T (p.Val261Leu)

Gene: RAD51 (RAD51 recombinase; plus strand). Cytogenetic location: 15q15.1.
Variant type: single nucleotide variant.
Coding change: c.781G>T on transcript NM_002875.5 (MANE Select); coding-DNA position 781, G replaced by T.
Protein change: p.Val261Leu; replaces valine 261 with leucine.
Molecular consequence: missense variant. On other transcripts: intron variant (1).
Genome position (GRCh38, 1-based): chr15:40,729,859, G>T. VCF-style: chr15-40729859-G-T. GRCh37 (hg19) VCF-style: chr15-41022057-G-T.
Other names: c.784G>T, p.Val262Leu (NM_001164269.2, NM_133487.4); c.774+225G>T (NM_001164270.2); short protein forms V262L, V261L.
Identifiers: ClinVar variation 1760772 (VCV001760772.2), dbSNP rs2141883349, ClinGen allele CA391759545.